The following is an entry in ClinVar:

NM_014727.3(KMT2B):c.6219G>C (p.Glu2073Asp)

Gene: KMT2B (lysine methyltransferase 2B; plus strand). Cytogenetic location: 19q13.12.
Variant type: single nucleotide variant.
Coding change: c.6219G>C on transcript NM_014727.3 (MANE Select); coding-DNA position 6219, G replaced by C.
Protein change: p.Glu2073Asp; replaces glutamic acid 2073 with aspartic acid.
Molecular consequence: missense variant.
Genome position (GRCh38, 1-based): chr19:35,732,768, G>C. VCF-style: chr19-35732768-G-C. GRCh37 (hg19) VCF-style: chr19-36223669-G-C.
Other names: short protein forms E2073D.
Identifiers: ClinVar variation 3900767 (VCV003900767.1).

ClinVar aggregate classification (germline): Uncertain significance (1 of 4 stars; one submission).

Submission:

GeneDx
Classification: Uncertain significance. Last evaluated: 2024-12-02. Review status: criteria provided, single submitter. Criteria: GeneDx Variant Classification Process June 2021. Collection method: clinical testing. Allele origin: germline. Affected: yes.
Comment: Has not been previously published as pathogenic or benign to our knowledge; Not observed in large population cohorts (gnomAD); In silico analysis supports that this missense variant does not alter protein structure/function